The following is an entry in ClinVar:

NM_002485.5(NBN):c.803C>T (p.Thr268Met)

Gene: NBN (nibrin; minus strand). Cytogenetic location: 8q21.3.
Variant type: single nucleotide variant.
Coding change: c.803C>T on transcript NM_002485.5 (MANE Select); coding-DNA position 803, C replaced by T.
Protein change: p.Thr268Met; replaces threonine 268 with methionine.
Molecular consequence: missense variant.
Genome position (GRCh38, 1-based): chr8:89,970,457, G>A on the plus strand (C>T on the coding strand, the complement: NBN is on the minus strand). VCF-style: chr8-89970457-G-A. GRCh37 (hg19) VCF-style: chr8-90982685-G-A.
Other names: p.T268M:ACG>ATG; c.557C>T, p.Thr186Met (NM_001024688.3); short protein forms T268M, T186M.
Identifiers: ClinVar variation 182734 (VCV000182734.49), dbSNP rs535602436, ClinGen allele CA299651.
Genomic context (GRCh38, chr8:89,970,457, plus strand): 5'-TTCTTCTGACAGTCAGGAATTAAGGTCTGTGAGTTTGTTATTCCTGTATCAACAACACAC[G>A]TTCCCGGAGCCAAAAAGAAATTATGTTCTTCTTCATTCTCTTCTGTTATCAACCTAGCTT-3'
Protein context (NP_002476.2, residues 258-278): EEHNFFLAPG[Thr268Met]CVVDTGITNS

ClinVar aggregate classification (germline): Uncertain significance. Review status: criteria provided, multiple submitters, no conflicts (2 of 4 stars). 12 submissions from 12 submitters: Uncertain significance (10). 2 of the submissions do not count toward it. Last evaluated 2025-07-15.

Conditions:
NBN-related disorder. Also called: NBN-related condition.
Hereditary cancer-predisposing syndrome. Also called: Tumor predisposition; Neoplastic Syndromes, Hereditary; Hereditary neoplastic syndrome; Hereditary Cancer Syndrome. Identifiers: Orphanet 140162, MedGen C0027672, MeSH D009386, MONDO:0015356.
Aplastic anemia. Identifiers: Orphanet 182040, Orphanet 88, MedGen C0002874, MONDO:0015909, OMIM 609135, HP:0001915.
Microcephaly, normal intelligence and immunodeficiency (NBS). Also called: SEEMANOVA SYNDROME II; Nijmegen breakage syndrome; Microcephaly with normal intelligence immunodeficiency and lymphoreticular malignancies; Nonsyndromal microcephaly autosomal recessive with normal intelligence; Seemanova syndrome 2; BERLIN BREAKAGE SYNDROME. Identifiers: Orphanet 647, MedGen C0398791, MONDO:0009623, OMIM 251260.
Acute lymphoid leukemia (ALL). Also called: Acute lymphoblastic leukemia; Acute lymphocytic leukemia; Leukemia, acute lymphoblastic, somatic; Lymphoblastic leukemia. Identifiers: Orphanet 513, MedGen C0023449, MONDO:0004967, OMIM 613065, HP:0006721.

Allele frequency attached by ClinVar (database versions not stated): gnomAD 0.00004 and 0.00006; gnomAD exomes 0.00004; ExAC 0.00005; TOPMed 0.00006; 1000 Genomes Project 30x 0.00016; 1000 Genomes Project 0.00020.

Submissions (12):

Ambry Genetics
Classification: Uncertain significance for Hereditary cancer-predisposing syndrome. Last evaluated: 2025-07-15. Review status: criteria provided, single submitter. Criteria: Ambry Variant Classification Scheme 2023. Collection method: clinical testing. Allele origin: germline.

Labcorp Genetics (formerly Invitae), Labcorp
Classification: Uncertain significance for Microcephaly, normal intelligence and immunodeficiency. Last evaluated: 2024-11-06. Review status: criteria provided, single submitter. Criteria: Invitae Variant Classification Sherloc (09022015). Collection method: clinical testing. Allele origin: germline.
Comment: This sequence change replaces threonine, which is neutral and polar, with methionine, which is neutral and non-polar, at codon 268 of the NBN protein (p.Thr268Met). This variant is present in population databases (rs535602436, gnomAD 0.007%). This missense change has been observed in individual(s) with breast and/or ovarian cancer (PMID: 26315354, 29522266). ClinVar contains an entry for this variant (Variation ID: 182734). An algorithm developed to predict the effect of missense changes on protein structure and function (PolyPhen-2) suggests that this variant¬†is likely to be tolerated. In summary, the available evidence is currently insufficient to determine the role of this variant in disease. Therefore, it has been classified as a Variant of Uncertain Significance.

Blueprint Genetics
Classification: Uncertain significance. Last evaluated: 2024-06-17. Review status: criteria provided, single submitter. Criteria: ACMG Guidelines, 2015. Collection method: clinical testing. Allele origin: germline.

Baylor Genetics
Classification: Uncertain significance for Aplastic anemia. Last evaluated: 2024-03-21. Review status: criteria provided, single submitter. Criteria: ACMG Guidelines, 2015. Collection method: clinical testing. Allele origin: unknown.

GeneDx
Classification: Uncertain significance. Last evaluated: 2023-03-08. Review status: criteria provided, single submitter. Criteria: GeneDx Variant Classification Process June 2021. Collection method: clinical testing. Allele origin: germline. Affected: yes.
Comment: Observed in individuals with breast or ovarian cancer and in unaffected controls (Ramus et al., 2015; Hauke et al., 2018; Momozawa et al., 2018; Fujita et al., 2020); In silico analysis supports that this missense variant does not alter protein structure/function; This variant is associated with the following publications: (PMID: 26315354, 26644315, 29522266, 30287823, 33309985, 24894818)

Genome-Nilou Lab
Classification: Uncertain significance for Microcephaly, normal intelligence and immunodeficiency. Last evaluated: 2021-11-07. Review status: criteria provided, single submitter. Criteria: ACMG Guidelines, 2015. Collection method: clinical testing. Allele origin: germline. Affected: no.

Institute for Clinical Genetics, University Hospital TU Dresden, University Hospital TU Dresden
Classification: Uncertain significance. Last evaluated: 2021-11-03. Review status: criteria provided, single submitter. Criteria: ACMG Guidelines, 2015. Collection method: clinical testing. Allele origin: germline.

Fulgent Genetics
Classification: Uncertain significance for Microcephaly, normal intelligence and immunodeficiency; Aplastic anemia; Acute lymphoid leukemia. Last evaluated: 2021-08-10. Review status: criteria provided, single submitter. Criteria: ACMG Guidelines, 2015. Collection method: clinical testing. Allele origin: unknown.

Women's Health and Genetics/Laboratory Corporation of America, LabCorp
Classification: Uncertain significance. Last evaluated: 2019-01-15. Review status: criteria provided, single submitter. Criteria: LabCorp Variant Classification Summary - May 2015. Collection method: clinical testing. Allele origin: germline.
Comment: Variant summary: NBN c.803C>T (p.Thr268Met) results in a non-conservative amino acid change located in the Nibrin, second BRCT domain of the encoded protein sequence. Three of five in-silico tools predict a damaging effect of the variant on protein function. The variant allele was found at a frequency of 3.6e-05 in 277034 control chromosomes. This frequency is not significantly higher than expected for a pathogenic variant in NBN causing Nijmegen Breakage Syndrome (3.6e-05 vs 0.0025), allowing no conclusion about variant significance. c.803C>T has been reported in the literature in individuals affected with breast or ovarian cancer (Ramus_2015, Hauke_2018). These reports do not provide unequivocal conclusions about association of the variant with Nijmegen Breakage Syndrome or HBOC. To our knowledge, no experimental evidence demonstrating an impact on protein function has been reported. Five clinical diagnostic laboratories have submitted clinical-significance assessments for this variant to ClinVar after 2014 without evidence for independent evaluation. All laboratories classified the variant as uncertain significance. Based on the evidence outlined above, the variant was classified as uncertain significance.

Mendelics
Classification: Uncertain significance for Microcephaly, normal intelligence and immunodeficiency. Last evaluated: 2018-07-02. Review status: criteria provided, single submitter. Criteria: Mendelics Assertion Criteria 2017. Collection method: clinical testing. Allele origin: unknown.

PreventionGenetics, part of Exact Sciences
Classification: Uncertain significance for NBN-related condition. Last evaluated: 2024-08-09. Review status: no assertion criteria provided. Collection method: clinical testing. Allele origin: germline. Not counted in ClinVar's aggregate classification.
Comment: The NBN c.803C>T variant is predicted to result in the amino acid substitution p.Thr268Met. This variant was reported in an individual with ovarian cancer (Ramus et al 2015. PubMed ID: 26315354). This variant is reported in 0.0070% of alleles in individuals of European (Non-Finnish) descent in gnomAD and is interpreted as a variant of uncertain significance in ClinVar. At this time, the clinical significance of this variant is uncertain due to the absence of conclusive functional and genetic evidence.

Natera, Inc.
Classification: Uncertain significance for Nijmegen breakage syndrome. Last evaluated: 2020-02-14. Review status: no assertion criteria provided. Collection method: clinical testing. Allele origin: germline. Not counted in ClinVar's aggregate classification.

Literature cited by the submitters: PubMed 26315354 (cited by Labcorp Genetics (formerly Invitae), Labcorp and Women's Health and Genetics/Laboratory Corporation of America, LabCorp); PubMed 29522266 (cited by Labcorp Genetics (formerly Invitae), Labcorp and Women's Health and Genetics/Laboratory Corporation of America, LabCorp).